The following is an entry in ClinVar:

ClinVar aggregate classification (germline): Uncertain significance (1 of 4 stars; one submission).

Allele frequency attached by ClinVar (database versions not stated): gnomAD exomes below 0.00001 and 0.00002; gnomAD 0.00001; ExAC 0.00002; TOPMed 0.00004.

Submission:

Labcorp Genetics (formerly Invitae), Labcorp
Classification: Uncertain significance. Last evaluated: 2021-09-24. Review status: criteria provided, single submitter. Criteria: Invitae Variant Classification Sherloc (09022015). Collection method: clinical testing. Allele origin: germline.
Comment: This sequence change replaces glutamic acid with lysine at codon 95 of the CCBE1 protein (p.Glu95Lys). The glutamic acid residue is moderately conserved and there is a small physicochemical difference between glutamic acid and lysine. This variant is present in population databases (rs759566769, ExAC 0.01%). This variant has not been reported in the literature in individuals affected with CCBE1-related conditions. Algorithms developed to predict the effect of missense changes on protein structure and function (SIFT, PolyPhen-2, Align-GVGD) all suggest that this variant is likely to be tolerated. In summary, the available evidence is currently insufficient to determine the role of this variant in disease. Therefore, it has been classified as a Variant of Uncertain Significance.

NM_133459.4(CCBE1):c.283G>A (p.Glu95Lys)

Gene: CCBE1 (collagen and calcium binding EGF domains 1; minus strand). Cytogenetic location: 18q21.32.
Variant type: single nucleotide variant.
Coding change: c.283G>A on transcript NM_133459.4 (MANE Select); coding-DNA position 283, G replaced by A.
Protein change: p.Glu95Lys; replaces glutamic acid 95 with lysine.
Molecular consequence: missense variant.
Genome position (GRCh38, 1-based): chr18:59,469,590, C>T on the plus strand (G>A on the coding strand, the complement: CCBE1 is on the minus strand). VCF-style: chr18-59469590-C-T. GRCh37 (hg19) VCF-style: chr18-57136822-C-T.
Other names: short protein forms E95K.
Identifiers: ClinVar variation 1411398 (VCV001411398.3), dbSNP rs759566769, ClinGen allele CA8980547.